The following is an entry in ClinVar:

NM_002900.3(RBP3):c.2372C>T (p.Thr791Met)

Gene: RBP3 (retinol binding protein 3; plus strand). Cytogenetic location: 10q11.22.
Variant type: single nucleotide variant.
Coding change: c.2372C>T on transcript NM_002900.3 (MANE Select); coding-DNA position 2372, C replaced by T.
Protein change: p.Thr791Met; replaces threonine 791 with methionine.
Molecular consequence: missense variant.
Genome position (GRCh38, 1-based): chr10:47,350,856, C>T. VCF-style: chr10-47350856-C-T. GRCh37 (hg19) VCF-style: chr10-48388506-G-A.
Other names: short protein forms T791M.
Identifiers: ClinVar variation 3028161 (VCV003028161.3), dbSNP rs561239259, ClinGen allele CA5487295.

ClinVar aggregate classification (germline): Uncertain significance. Review status: criteria provided, multiple submitters, no conflicts (2 of 4 stars). 3 submissions from 3 submitters: Uncertain significance (2). 1 of the submissions does not count toward it. Last evaluated 2024-08-21.

Conditions:
Hypercholesterolemia, familial, 1. Also called: LDL RECEPTOR DISORDER; Hyperlipoproteinemia Type IIa; HYPER-LOW-DENSITY-LIPOPROTEINEMIA; HYPERCHOLESTEROLEMIC XANTHOMATOSIS, FAMILIAL; Fredrickson type IIa hyperlipoproteinemia; Hyperlipoproteinemia type 2. Identifiers: Orphanet 391665, MedGen C0745103, MONDO:0007750, OMIM 143890.
Retinal dystrophy. Also called: Inherited retinal dystrophy. Identifiers: Orphanet 71862, MedGen C0854723, MeSH D058499, MONDO:0019118, HP:0000556.

Allele frequency attached by ClinVar (database versions not stated): TOPMed 0.00001; gnomAD 0.00005; gnomAD exomes 0.00005; ExAC 0.00011; 1000 Genomes Project 30x 0.00016; 1000 Genomes Project 0.00020.
gnomAD v4.1: 89 of 1,612,960 alleles (0.0055%); highest among the groups gnomAD compares: South Asian, 0.07%; 1 homozygote.

Submissions (3):

Blueprint Genetics
Classification: Uncertain significance. Last evaluated: 2024-08-21. Review status: criteria provided, single submitter. Criteria: ACMG Guidelines, 2015. Collection method: clinical testing. Allele origin: germline.

Dept Of Ophthalmology, Nagoya University
Classification: Uncertain significance for Retinal dystrophy. Last evaluated: 2023-10-01. Review status: criteria provided, single submitter. Criteria: Submitter's publication. Collection method: research. Allele origin: germline. Affected: yes.

Research Laboratories, P. D. Hinduja Hospital & MRC
Classification: Pathogenic for Hypercholesterolemia, familial, 1. Last evaluated: 2022-12-16. Review status: no assertion criteria provided. Collection method: case-control. Allele origin: germline. Affected: yes. Observed: 1 variant allele, 1 heterozygote. Not counted in ClinVar's aggregate classification.
Comment: This variant was identified as part of the ICMR-funded project (Ref No. 2020-3881). A missense variant in RBP3 (NM_002900.3), exon 1: c.2372C>T, resulting in a threonine-to-methionine substitution at codon 791 (p.T791M). To our knowledge, functional studies specific to this variant have not been reported. This variant has not been described in individuals with Familial Hypercholesterolemia (FH) in the literature; however, the RBP3 gene is associated with lipid metabolism according to the LIPID MAPS Proteome Database (LMPD).Computational predictions using MutationTaster and PolyPhen-2 suggest that this variant is likely deleterious and possibly damaging to protein function (GRCh38).